The following is an entry in ClinVar:

ClinVar aggregate classification (germline): Benign. Review status: criteria provided, single submitter (1 of 4 stars). 2 submissions from 1 submitter: Benign (2). Last evaluated 2018-01-13.

Conditions:
Charcot-Marie-Tooth disease type 2. Also called: Charcot-Marie-Tooth type 2. Identifiers: Orphanet 64746, MedGen C0270914, MONDO:0018993.
Hereditary motor and sensory neuropathy with optic atrophy. Also called: PERIPHERAL NEUROPATHY AND OPTIC ATROPHY; CHARCOT-MARIE-TOOTH DISEASE, TYPE 6. Identifiers: Orphanet 90120, MedGen C0393807, MONDO:0019551.

Allele frequency attached by ClinVar (database versions not stated): ExAC 0.00085; gnomAD 0.00335 and 0.00341; gnomAD exomes 0.00077 and 0.00127; 1000 Genomes Project 30x 0.00312; TOPMed 0.00348; 1000 Genomes Project 0.00359.
gnomAD v4.1: 761 of 471,188 alleles (0.16%); highest among the groups gnomAD compares: East Asian, 1.2%; 2 homozygotes.

Submissions (2):

Illumina Laboratory Services, Illumina
Classification: Benign for Neuropathy, hereditary motor and sensory, type 6A. Last evaluated: 2018-01-13. Review status: criteria provided, single submitter. Criteria: ICSL Variant Classification Criteria 13 December 2019. Collection method: clinical testing. Allele origin: germline.
Comment: This variant was observed in the ICSL laboratory as part of a predisposition screen in an ostensibly healthy population. It had not been previously curated by ICSL or reported in the Human Gene Mutation Database (HGMD: prior to June 1st, 2018), and was therefore a candidate for classification through an automated scoring system. Utilizing variant allele frequency, disease prevalence and penetrance estimates, and inheritance mode, an automated score was calculated to assess if this variant is too frequent to cause the disease. Based on the score and internal cut-off values, a variant classified as benign is not then subjected to further curation. The score for this variant resulted in a classification of benign for this disease.

Illumina Laboratory Services, Illumina
Classification: Benign for Charcot-Marie-Tooth disease, type 2. Last evaluated: 2018-01-13. Review status: criteria provided, single submitter. Criteria: ICSL Variant Classification Criteria 13 December 2019. Collection method: clinical testing. Allele origin: germline.
Comment: the same text as in the submission from Illumina Laboratory Services, Illumina above.

NM_014874.4(MFN2):c.*1830C>T

Gene: MFN2 (mitofusin 2; plus strand). Cytogenetic location: 1p36.22.
Variant type: single nucleotide variant.
Coding change: c.*1830C>T on transcript NM_014874.4 (MANE Select); 1830 bases downstream of the stop codon, C replaced by T.
Molecular consequence: 3 prime UTR variant.
Genome position (GRCh38, 1-based): chr1:12,013,395, C>T. VCF-style: chr1-12013395-C-T. GRCh37 (hg19) VCF-style: chr1-12073452-C-T.
Other names: c.*1830C>T (NM_001127660.2).
Identifiers: ClinVar variation 876836 (VCV000876836.4), dbSNP rs74609163, ClinGen allele CA599413.
Genomic context (GRCh38, chr1:12,013,395, plus strand): 5'-CAAAAGCACTTTAATGCTGCTGACATTGTTGTTTTTATGTTCATTTGCTGGAGCGCAAGA[C>T]GTGCTGACACAGTGAGTTTTCTCTGATGTATTTAAGGTGATGTATTTGCTTGAGTTACTC-3'